The following is an entry in ClinVar:

ClinVar aggregate classification (germline): Pathogenic/Likely pathogenic. Review status: criteria provided, multiple submitters, no conflicts (2 of 4 stars). 3 submissions from 3 submitters: Pathogenic (2); Likely pathogenic (1). Last evaluated 2025-06-18.

Conditions:
Tuberous sclerosis 1 (TSC1). Identifiers: Orphanet 805, MedGen C1854465, MONDO:0008612, OMIM 191100.
Tuberous sclerosis syndrome (TSC). Also called: Tuberous Sclerosis Complex; Tuberous sclerosis. Identifiers: Orphanet 805, MedGen C0041341, MONDO:0001734.

Submissions (3):

Color Diagnostics, LLC DBA Color Health
Classification: Pathogenic for Tuberous sclerosis syndrome. Last evaluated: 2025-06-18. Review status: criteria provided, single submitter. Criteria: ACMG Guidelines, 2015. Collection method: clinical testing. Allele origin: germline.
Comment: This variant deletes 15 nucleotides in exon 6 of the TSC1 gene, creating a frameshift and premature translation stop signal. This variant is expected to result in an absent or non-functional protein product. To our knowledge, this variant has not been reported in individuals affected with TSC1-related disorders in the literature. This variant has not been identified in the general population by the Genome Aggregation Database (gnomAD). Loss of TSC1 function is a known mechanism of disease. Based on the available evidence, this variant is classified as Pathogenic.

Institute for Genomic Medicine (IGM) Clinical Laboratory, Nationwide Children's Hospital
Classification: Likely pathogenic for Tuberous sclerosis 1. Last evaluated: 2024-09-17. Review status: criteria provided, single submitter. Criteria: ACMG Guidelines, 2015. Collection method: clinical testing. Allele origin: germline.
Comment: This variant is predicted to result in loss of function through nonsense-mediated decay of the encoded transcript or premature truncation of the encoded protein in a gene in which loss of function is a known mechanism of disease (ACMG/AMP: PVS1; PMIDs:10227394, 10205261). This variant is absent from or present at an exceedingly low frequency in gnomAD, a large-scale control population database (ACMG/AMP: PM2).

Labcorp Genetics (formerly Invitae), Labcorp
Classification: Pathogenic for Tuberous sclerosis 1. Last evaluated: 2021-04-09. Review status: criteria provided, single submitter. Criteria: Invitae Variant Classification Sherloc (09022015). Collection method: clinical testing. Allele origin: germline.
Comment: For these reasons, this variant has been classified as Pathogenic. This variant has not been reported in the literature in individuals with TSC1-related conditions. This variant is not present in population databases (ExAC no frequency). This sequence change creates a premature translational stop signal (p.Leu136Valfs*14) in the TSC1 gene. It is expected to result in an absent or disrupted protein product. Loss-of-function variants in TSC1 are known to be pathogenic (PMID: 10227394, 17304050).

Literature cited by the submitters: PubMed 10227394 (cited by Institute for Genomic Medicine (IGM) Clinical Laboratory, Nationwide Children's Hospital and Labcorp Genetics (formerly Invitae), Labcorp); PubMed 10205261 (cited by Institute for Genomic Medicine (IGM) Clinical Laboratory, Nationwide Children's Hospital); PubMed 17304050 (cited by Labcorp Genetics (formerly Invitae), Labcorp).

NM_000368.5(TSC1):c.406_418delinsGT (p.Leu136fs)

Gene: TSC1 (TSC complex subunit 1; minus strand). Cytogenetic location: 9q34.13.
Variant type: Indel.
Coding change: c.406_418delinsGT on transcript NM_000368.5 (MANE Select); coding-DNA positions 406 to 418, TTGATAACCATGC replaced by GT.
Protein change: p.Leu136fs; shifts the reading frame from leucine 136.
Molecular consequence: frameshift variant.
Genome position (GRCh38, 1-based): chr9:132,923,438-132,923,450, GCATGGTTATCAA replaced by AC on the plus strand (TTGATAACCATGC replaced by GT on the coding strand, the reverse complement: TSC1 is on the minus strand). VCF-style: chr9-132923438-GCATGGTTATCAA-AC. GRCh37 (hg19) VCF-style: chr9-135798825-GCATGGTTATCAA-AC.
Other names: c.406_418delinsGT, p.Leu136fs (NM_001162426.2); c.253_265delinsGT, p.Leu85fs (NM_001162427.2); c.43_55delinsGT, p.Leu15fs (NM_001362177.2); short protein forms L136fs, L15fs, L85fs.
Identifiers: ClinVar variation 965469 (VCV000965469.6), dbSNP rs1846678053, ClinGen allele CA1139661300.